The following is an entry in ClinVar:

ClinVar aggregate classification (germline): Likely benign. Review status: criteria provided, multiple submitters, no conflicts (2 of 4 stars). 2 submissions from 2 submitters: Likely benign (2). Last evaluated 2026-03-01.

Conditions:
Early-infantile DEE. Also called: Early infantile epileptic encephalopathy; Ohtahara syndrome; Early infantile epileptic encephalopathy with suppression bursts. Identifiers: Orphanet 1934, MedGen C0393706, MONDO:0800491.

Allele frequency attached by ClinVar (database versions not stated): gnomAD 0.00001; gnomAD exomes 0.00001 and 0.00002.
gnomAD v4.1: 27 of 1,613,188 alleles (0.0017%); highest among the groups gnomAD compares: Non-Finnish European, 0.0023%; no homozygotes.

Submissions (2):

CeGaT Center for Human Genetics Tuebingen
Classification: Likely benign. Last evaluated: 2026-03-01. Review status: criteria provided, single submitter. Criteria: CeGaT Center For Human Genetics Tuebingen Variant Classification Criteria Version 2. Collection method: clinical testing. Allele origin: germline. Affected: yes. Observed: 1 variant allele.
Comment: SPTAN1: BP4, BP7

Labcorp Genetics (formerly Invitae), Labcorp
Classification: Likely benign for Early-infantile DEE. Last evaluated: 2024-09-05. Review status: criteria provided, single submitter. Criteria: Invitae Variant Classification Sherloc (09022015). Collection method: clinical testing. Allele origin: germline.

NM_001130438.3(SPTAN1):c.5979G>A (p.Val1993=)

Gene: SPTAN1 (spectrin alpha, non-erythrocytic 1; plus strand). Cytogenetic location: 9q34.11.
Variant type: single nucleotide variant.
Coding change: c.5979G>A on transcript NM_001130438.3 (MANE Select); coding-DNA position 5979, G replaced by A.
Protein change: p.Val1993=; no amino-acid change (valine 1993 retained).
Molecular consequence: synonymous variant.
Genome position (GRCh38, 1-based): chr9:128,624,474, G>A. VCF-style: chr9-128624474-G-A. GRCh37 (hg19) VCF-style: chr9-131386753-G-A.
Other names: c.5904G>A, p.Val1968= (NM_001195532.2); c.5979G>A, p.Val1993= (NM_001363759.2, NM_001375310.1, NM_001375311.2 and 1 more transcripts); c.5919G>A, p.Val1973= (NM_001363765.2, NM_001375314.2); c.6015G>A, p.Val2005= (NM_001375312.2, NM_001375318.1); c.5964G>A, p.Val1988= (NM_003127.4).
Identifiers: ClinVar variation 1087425 (VCV001087425.14), dbSNP rs1413553922, ClinGen allele CA467304214.